The following is an entry in ClinVar:

NM_001647.4(APOD):c.44T>C (p.Phe15Ser)

Gene: APOD (apolipoprotein D; minus strand). Cytogenetic location: 3q29.
Variant type: single nucleotide variant.
Coding change: c.44T>C on transcript NM_001647.4 (MANE Select); coding-DNA position 44, T replaced by C.
Protein change: p.Phe15Ser; replaces phenylalanine 15 with serine.
Molecular consequence: missense variant.
Genome position (GRCh38, 1-based): chr3:195,579,418, A>G on the plus strand (T>C on the coding strand, the complement: APOD is on the minus strand). VCF-style: chr3-195579418-A-G. GRCh37 (hg19) VCF-style: chr3-195306289-A-G.
Other names: short protein forms F15S.
Identifiers: ClinVar variation 769625 (VCV000769625.6), dbSNP rs5952, ClinGen allele CA2765439.

ClinVar aggregate classification (germline): Benign. Review status: criteria provided, multiple submitters, no conflicts (2 of 4 stars). 3 submissions from 3 submitters: Benign (2). 1 of the submissions does not count toward it. Last evaluated 2018-07-29.

Conditions:
APOD-related disorder. Also called: APOD-related condition.

Allele frequency attached by ClinVar (database versions not stated): 1000 Genomes Project 0.00140; 1000 Genomes Project 30x 0.00156; TOPMed 0.00371; gnomAD 0.00417 and 0.00431; ExAC 0.00421; gnomAD exomes 0.00422 and 0.00466; ESP Exome Variant Server 0.00461.

Submissions (3):

Labcorp Genetics (formerly Invitae), Labcorp
Classification: Benign. Last evaluated: 2018-07-29. Review status: criteria provided, single submitter. Criteria: Invitae Variant Classification Sherloc (09022015). Collection method: clinical testing. Allele origin: germline.

Breakthrough Genomics
Classification: Benign. Review status: criteria provided, single submitter. Criteria: ACMG Guidelines, 2015. Collection method: not provided. Allele origin: germline. Inheritance: Unknown mechanism. Affected: yes.

PreventionGenetics, part of Exact Sciences
Classification: Benign for APOD-related condition. Last evaluated: 2019-07-04. Review status: no assertion criteria provided. Collection method: clinical testing. Allele origin: germline. Not counted in ClinVar's aggregate classification.
Comment: This variant is classified as benign based on ACMG/AMP sequence variant interpretation guidelines (Richards et al. 2015 PMID: 25741868, with internal and published modifications).